The following is an entry in ClinVar:

ClinVar aggregate classification (germline): Uncertain significance (1 of 4 stars; one submission).

Conditions:
Fanconi anemia (FA). Also called: Fanconi's anemia. Identifiers: Orphanet 84, MedGen C0015625, MeSH D005199, MONDO:0019391.

Submission:

Labcorp Genetics (formerly Invitae), Labcorp
Classification: Uncertain significance for Fanconi anemia. Last evaluated: 2021-04-25. Review status: criteria provided, single submitter. Criteria: Invitae Variant Classification Sherloc (09022015). Collection method: clinical testing. Allele origin: germline.
Comment: This variant has not been reported in the literature in individuals with FANCA-related conditions. In summary, the available evidence is currently insufficient to determine the role of this variant in disease. Therefore, it has been classified as a Variant of Uncertain Significance. Advanced modeling of protein sequence and biophysical properties (such as structural, functional, and spatial information, amino acid conservation, physicochemical variation, residue mobility, and thermodynamic stability) performed at Invitae indicates that this missense variant is not expected to disrupt FANCA protein function. This variant is not present in population databases (ExAC no frequency). This sequence change replaces glutamic acid with valine at codon 800 of the FANCA protein (p.Glu800Val). The glutamic acid residue is moderately conserved and there is a moderate physicochemical difference between glutamic acid and valine.

NM_000135.4(FANCA):c.2399A>T (p.Glu800Val)

Gene: FANCA (FA complementation group A; minus strand). Cytogenetic location: 16q24.3.
Variant type: single nucleotide variant.
Coding change: c.2399A>T on transcript NM_000135.4 (MANE Select); coding-DNA position 2399, A replaced by T.
Protein change: p.Glu800Val; replaces glutamic acid 800 with valine.
Molecular consequence: missense variant.
Genome position (GRCh38, 1-based): chr16:89,769,942, T>A on the plus strand (A>T on the coding strand, the complement: FANCA is on the minus strand). VCF-style: chr16-89769942-T-A. GRCh37 (hg19) VCF-style: chr16-89836350-T-A.
Other names: c.2399A>T, p.Glu800Val (NM_001286167.3); short protein forms E800V.
Identifiers: ClinVar variation 1463772 (VCV001463772.8), dbSNP rs2039264657, ClinGen allele CA397443873.